The following is an entry in ClinVar:

ClinVar aggregate classification (germline): Likely benign (1 of 4 stars; one submission).

Submission:

CeGaT Center for Human Genetics Tuebingen
Classification: Likely benign. Last evaluated: 2024-10-01. Review status: criteria provided, single submitter. Criteria: CeGaT Center For Human Genetics Tuebingen Variant Classification Criteria Version 2. Collection method: clinical testing. Allele origin: germline. Affected: yes. Observed: 1 variant allele.
Comment: EIF4A3: PM2:Supporting, BP4, BP7

NM_014740.4(EIF4A3):c.903C>T (p.Asn301=)

Gene: EIF4A3 (eukaryotic translation initiation factor 4A3; minus strand). Cytogenetic location: 17q25.3.
Variant type: single nucleotide variant.
Coding change: c.903C>T on transcript NM_014740.4 (MANE Select); coding-DNA position 903, C replaced by T.
Protein change: p.Asn301=; no amino-acid change (asparagine 301 retained).
Molecular consequence: synonymous variant.
Genome position (GRCh38, 1-based): chr17:80,137,466, G>A on the plus strand (C>T on the coding strand, the complement: EIF4A3 is on the minus strand). VCF-style: chr17-80137466-G-A. GRCh37 (hg19) VCF-style: chr17-78111265-G-A.
Other names: c.840C>T, p.Asn280= (NM_001411099.1).
Identifiers: ClinVar variation 3388248 (VCV003388248.14).